The following is an entry in ClinVar:

ClinVar aggregate classification (germline): Uncertain significance (1 of 4 stars; one submission).

Submission:

Labcorp Genetics (formerly Invitae), Labcorp
Classification: Uncertain significance. Last evaluated: 2021-10-24. Review status: criteria provided, single submitter. Criteria: Invitae Variant Classification Sherloc (09022015). Collection method: clinical testing. Allele origin: germline.
Comment: This variant, c.483_484ins39, results in the insertion of 13 amino acid(s) of the PCNT protein (p.Val161_Ser162ins13), but otherwise preserves the integrity of the reading frame. This variant is not present in population databases (gnomAD no frequency). This variant has not been reported in the literature in individuals affected with PCNT-related conditions. Experimental studies and prediction algorithms are not available or were not evaluated, and the functional significance of this variant is currently unknown. Algorithms developed to predict the effect of sequence changes on RNA splicing suggest that this variant may create or strengthen a splice site. In summary, the available evidence is currently insufficient to determine the role of this variant in disease. Therefore, it has been classified as a Variant of Uncertain Significance.

NM_006031.6(PCNT):c.483_484insGGTGACCACCCACCAGAACAGCGTGGGATGTTCACAGTC (p.Val161_Ser162insGlyAspHisProProGluGlnArgGlyMetPheThrVal)

Gene: PCNT (pericentrin; plus strand). Cytogenetic location: 21q22.3.
Variant type: Insertion.
Coding change: c.483_484insGGTGACCACCCACCAGAACAGCGTGGGATGTTCACAGTC on transcript NM_006031.6 (MANE Select); coding-DNA positions 483 to 484, GGTGACCACCCACCAGAACAGCGTGGGATGTTCACAGTC inserted.
Protein change: p.Val161_Ser162insGlyAspHisProProGluGlnArgGlyMetPheThrVal.
Molecular consequence: inframe insertion.
Genome position: GRCh38: chr21:46,334,612-46,334,613. GRCh37 (hg19): chr21:47,754,526-47,754,527.
Other names: c.129_130insGGTGACCACCCACCAGAACAGCGTGGGATGTTCACAGTC, p.Val43_Ser44insGlyAspHisProProGluGlnArgGlyMetPheThrVal (NM_001315529.2).
Identifiers: ClinVar variation 1407065 (VCV001407065.3), dbSNP rs2146360513, ClinGen allele CA2573157742.